The following is an entry in ClinVar:

NM_153610.5(CMYA5):c.5670G>A (p.Lys1890=)

Gene: CMYA5 (cardiomyopathy associated 5; plus strand). Cytogenetic location: 5q14.1.
Variant type: single nucleotide variant.
Coding change: c.5670G>A on transcript NM_153610.5 (MANE Select); coding-DNA position 5670, G replaced by A.
Protein change: p.Lys1890=; no amino-acid change (lysine 1890 retained).
Molecular consequence: synonymous variant.
Genome position (GRCh38, 1-based): chr5:79,734,435, G>A. VCF-style: chr5-79734435-G-A. GRCh37 (hg19) VCF-style: chr5-79030258-G-A.
Other names: NC_000005.9:g.79030258G>A.
Identifiers: ClinVar variation 711943 (VCV000711943.28), dbSNP rs181056351, ClinGen allele CA3322161.

ClinVar aggregate classification (germline): Benign/Likely benign. Review status: criteria provided, multiple submitters, no conflicts (2 of 4 stars). 2 submissions from 2 submitters: Benign (1); Likely benign (1). Last evaluated 2023-04-01.

Allele frequency attached by ClinVar (database versions not stated): 1000 Genomes Project 30x 0.00047; 1000 Genomes Project 0.00060; gnomAD 0.00147 and 0.00149; TOPMed 0.00150; ExAC 0.00175; gnomAD exomes 0.00181 and 0.00255; ESP Exome Variant Server 0.00185.

Submissions (3):

CeGaT Center for Human Genetics Tuebingen
Classification: Likely benign. Last evaluated: 2023-04-01. Review status: criteria provided, single submitter. Criteria: CeGaT Center For Human Genetics Tuebingen Variant Classification Criteria Version 2. Collection method: clinical testing. Allele origin: germline. Affected: yes. Observed: 2 variant alleles.
Comment: CMYA5: BP4, BP7

Labcorp Genetics (formerly Invitae), Labcorp
Classification: Benign. Last evaluated: 2018-07-21. Review status: criteria provided, single submitter. Criteria: Invitae Variant Classification Sherloc (09022015). Collection method: clinical testing. Allele origin: germline.

Dr. Peter K. Rogan Lab, Western University
No classification provided (evidence only). Condition: Thyroid cancer, nonmedullary, 1. Review status: no classification provided. Collection method: in vitro. Allele origin: not applicable. Functional consequence: retained intron. Not counted in ClinVar's aggregate classification.